The following is an entry in ClinVar:

ClinVar aggregate classification (germline): Uncertain significance. Review status: criteria provided, multiple submitters, no conflicts (2 of 4 stars). 4 submissions from 4 submitters: Uncertain significance (3). 1 of the submissions does not count toward it. Last evaluated 2025-08-12.

Conditions:
Bloom syndrome (BLM). Also called: Bloom-Torre-Machacek syndrome. Identifiers: Orphanet 125, MedGen C0005859, MONDO:0008876, OMIM 210900.
Hereditary cancer-predisposing syndrome. Also called: Hereditary Cancer Syndrome; Hereditary neoplastic syndrome; Tumor predisposition; Neoplastic Syndromes, Hereditary. Identifiers: Orphanet 140162, MedGen C0027672, MeSH D009386, MONDO:0015356.

Allele frequency attached by ClinVar (database versions not stated): gnomAD exomes below 0.00001; ExAC 0.00001.
gnomAD v4.1: 2 of 1,600,374 alleles (0.00012%); highest among the groups gnomAD compares: Non-Finnish European, 0.00017%; no homozygotes.

Submissions (4):

Ambry Genetics
Classification: Uncertain significance for Hereditary cancer-predisposing syndrome. Last evaluated: 2025-08-12. Review status: criteria provided, single submitter. Criteria: Ambry Variant Classification Scheme 2023. Collection method: clinical testing. Allele origin: germline.
Comment: The p.G739S variant (also known as c.2215G>A), located in coding exon 9 of the BLM gene, results from a G to A substitution at nucleotide position 2215. The glycine at codon 739 is replaced by serine, an amino acid with similar properties. This amino acid position is conserved. In addition, this alteration is predicted to be deleterious by in silico analysis. Since supporting evidence is limited at this time, the clinical significance of this alteration remains unclear.

Labcorp Genetics (formerly Invitae), Labcorp
Classification: Uncertain significance for Bloom syndrome. Last evaluated: 2024-03-01. Review status: criteria provided, single submitter. Criteria: Invitae Variant Classification Sherloc (09022015). Collection method: clinical testing. Allele origin: germline.
Comment: This sequence change replaces glycine, which is neutral and non-polar, with serine, which is neutral and polar, at codon 739 of the BLM protein (p.Gly739Ser). This variant is present in population databases (rs745642690, gnomAD 0.0009%). This variant has not been reported in the literature in individuals affected with BLM-related conditions. ClinVar contains an entry for this variant (Variation ID: 841228). Advanced modeling of protein sequence and biophysical properties (such as structural, functional, and spatial information, amino acid conservation, physicochemical variation, residue mobility, and thermodynamic stability) performed at Invitae indicates that this missense variant is not expected to disrupt BLM protein function with a negative predictive value of 80%. In summary, the available evidence is currently insufficient to determine the role of this variant in disease. Therefore, it has been classified as a Variant of Uncertain Significance.

Fulgent Genetics
Classification: Uncertain significance for Bloom syndrome. Last evaluated: 2022-01-17. Review status: criteria provided, single submitter. Criteria: ACMG Guidelines, 2015. Collection method: clinical testing. Allele origin: unknown.

Natera, Inc.
Classification: Uncertain significance for Bloom syndrome. Last evaluated: 2020-11-17. Review status: no assertion criteria provided. Collection method: clinical testing. Allele origin: germline. Not counted in ClinVar's aggregate classification.

NM_000057.4(BLM):c.2215G>A (p.Gly739Ser)

Gene: BLM (BLM RecQ like helicase; plus strand). Cytogenetic location: 15q26.1.
Variant type: single nucleotide variant.
Coding change: c.2215G>A on transcript NM_000057.4 (MANE Select); coding-DNA position 2215, G replaced by A.
Protein change: p.Gly739Ser; replaces glycine 739 with serine.
Molecular consequence: missense variant.
Genome position (GRCh38, 1-based): chr15:90,766,931, G>A. VCF-style: chr15-90766931-G-A. GRCh37 (hg19) VCF-style: chr15-91310161-G-A.
Other names: c.2215G>A (NM_000057.2); c.2215G>A, p.Gly739Ser (NM_001287246.2, NM_001287247.2); c.1090G>A, p.Gly364Ser (NM_001287248.2); short protein forms G739S, G364S.
Identifiers: ClinVar variation 841228 (VCV000841228.15), dbSNP rs745642690, ClinGen allele CA7738701.